The following is an entry in ClinVar:

NM_021930.6(RINT1):c.1915C>T (p.Gln639Ter)

Genes: EFCAB10 (EF-hand calcium binding domain 10; minus strand), RINT1 (RAD50 interactor 1; plus strand). Cytogenetic location: 7q22.3.
Variant type: single nucleotide variant.
Coding change: c.1915C>T on transcript NM_021930.6 (MANE Select); coding-DNA position 1915, C replaced by T.
Protein change: p.Gln639Ter; replaces glutamine 639 with a stop codon.
Molecular consequence: nonsense. On other transcripts: 3 prime UTR variant (3), non-coding transcript variant (1).
Genome position (GRCh38, 1-based): chr7:105,565,305, C>T. VCF-style: chr7-105565305-C-T. GRCh37 (hg19) VCF-style: chr7-105205752-C-T.
Other names: c.*142G>A (NM_001355526.2); c.*244G>A (NM_001355530.2); c.*97G>A (NM_001355531.2); c.1681C>T, p.Gln561Ter (NM_001346599.2); c.892C>T, p.Gln298Ter (NM_001346600.2, NM_001346603.2); c.991C>T, p.Gln331Ter (NM_001346601.2); short protein forms Q561*, Q331*, Q298*, Q639*.
Identifiers: ClinVar variation 1782573 (VCV001782573.2), dbSNP rs2133475458, ClinGen allele CA368814692.
Genomic context (GRCh38, chr7:105,565,305, plus strand): 5'-AAAATTTTTTGGTAAAAATGTGTTTTTTCCAGATGGTTGTCCTTGCCATCTCAGTCAGAG[C>T]AGGCAGTGATGTCCCTGTCCAGTTCGGCTTGCCCGTTGCTGCTGACGTTACGAGACCATT-3'

ClinVar aggregate classification (germline): Uncertain significance (1 of 4 stars; one submission).

Allele frequency attached by ClinVar (database versions not stated): gnomAD exomes below 0.00001.
gnomAD v4.1: 1 of 1,612,238 alleles (0.000062%); highest among the groups gnomAD compares: Non-Finnish European, 0.000085%; no homozygotes.

Submission:

Ambry Genetics
Classification: Uncertain significance. Last evaluated: 2022-03-11. Review status: criteria provided, single submitter. Criteria: Ambry Variant Classification Scheme 2023. Collection method: clinical testing. Allele origin: germline.
Comment: The p.Q639* variant (also known as c.1915C>T), located in coding exon 13 of the RINT1 gene, results from a C to T substitution at nucleotide position 1915. This changes the amino acid from a glutamine to a stop codon within coding exon 13. This alteration is expected to result in loss of function by premature protein truncation or nonsense-mediated mRNA decay. The evidence for this gene-disease relationship is limited; therefore, the clinical significance of this alteration is unclear.